The following is an entry in ClinVar:

NM_001042492.3(NF1):c.1075_1096del (p.Asn359fs)

Gene: NF1 (neurofibromin 1; plus strand). Cytogenetic location: 17q11.2.
Variant type: Deletion.
Coding change: c.1075_1096del on transcript NM_001042492.3 (MANE Select); coding-DNA positions 1075 to 1096, 22 bases deleted (AATCCAAGTAAGCCATTCTCAA).
Protein change: p.Asn359fs; shifts the reading frame from asparagine 359.
Molecular consequence: frameshift variant.
Genome position (GRCh38, 1-based): chr17:31,201,049-31,201,070, AATCCAAGTAAGCCATTCTCAA deleted. VCF-style (leftmost placement, unchanged base first): chr17-31201048-TAATCCAAGTAAGCCATTCTCAA-T. GRCh37 (hg19) VCF-style: chr17-29528066-TAATCCAAGTAAGCCATTCTCAA-T.
Other names: c.1075_1096del22, p.Asn359Glufs (NM_000267.4); c.1075_1096del, p.Asn359fs (NM_001128147.3); short protein forms N359fs.
Identifiers: ClinVar variation 2769233 (VCV002769233.3), dbSNP rs2544796740, ClinGen allele CA2697559689.
Genomic context (GRCh38, chr17:31,201,048, plus strand): 5'-TACTGCATGGGTATTTAAAGGCTTTTGTTTTCTGTTGGGGTTTTTATAGAACCTGCTTTT[TAATCCAAGTAAGCCATTCTCAA>T]GAGGCAGTCAGCCTGCAGATGTGGATCTAATGATTGACTGCCTTGTTTCTTGCTTTCGTA-3'

ClinVar aggregate classification (germline): Pathogenic (1 of 4 stars; one submission).

Conditions:
Neurofibromatosis, type 1 (NF1). Also called: VON RECKLINGHAUSEN DISEASE; Neurofibromatosis, type I; NEUROFIBROMATOSIS, TYPE I, SOMATIC; Peripheral type neurofibromatosis. Identifiers: Orphanet 636, MedGen C0027831, MONDO:0018975, OMIM 162200. Disease mechanism: loss of function.

Submission:

Labcorp Genetics (formerly Invitae), Labcorp
Classification: Pathogenic for Neurofibromatosis, type 1. Last evaluated: 2023-10-17. Review status: criteria provided, single submitter. Criteria: Invitae Variant Classification Sherloc (09022015). Collection method: clinical testing. Allele origin: germline.
Comment: This sequence change creates a premature translational stop signal (p.Asn359Glufs*10) in the NF1 gene. It is expected to result in an absent or disrupted protein product. Loss-of-function variants in NF1 are known to be pathogenic (PMID: 10712197, 23913538). This variant is not present in population databases (gnomAD no frequency). This variant has not been reported in the literature in individuals affected with NF1-related conditions. For these reasons, this variant has been classified as Pathogenic.

Literature cited by the submitters: PubMed 10712197; PubMed 23913538.